The following is an entry in ClinVar:

ClinVar aggregate classification (germline): Benign. Review status: criteria provided, multiple submitters, no conflicts (2 of 4 stars). 3 submissions from 2 submitters: Benign (3). Last evaluated 2018-01-13.

Conditions:
Brain small vessel disease 1 with or without ocular anomalies (BSVD1). Also called: BRAIN SMALL VESSEL DISEASE WITH HEMORRHAGE; GOULD SYNDROME 1; PORENCEPHALY, TYPE 1, AUTOSOMAL DOMINANT; Brain small vessel disease with or without ocular anomalies. Identifiers: Orphanet 2940, Orphanet 36383, Orphanet 99810, MedGen C4755307, MONDO:0008289, OMIM 175780.
Autosomal dominant familial hematuria-retinal arteriolar tortuosity-contractures syndrome. Also called: Angiopathy, hereditary, with nephropathy, aneurysms, and muscle cramps; Hereditary Angiopathy with Nephropathy, Aneurysms, and Muscle Cramps (HANAC) Syndrome. Identifiers: Orphanet 73229, MedGen C2673195, MONDO:0012726, OMIM 611773.

Allele frequency attached by ClinVar (database versions not stated): gnomAD exomes 0.07396; 1000 Genomes Project 0.13538; gnomAD 0.13929 and 0.14311; 1000 Genomes Project 30x 0.14022; TOPMed 0.15242.
gnomAD v4.1: 21,107 of 152,930 alleles (14%); highest among the groups gnomAD compares: African/African-American, 24%; 1,903 homozygotes.

Submissions (3):

Illumina Laboratory Services, Illumina
Classification: Benign for Autosomal dominant familial hematuria-retinal arteriolar tortuosity-contractures syndrome. Last evaluated: 2018-01-13. Review status: criteria provided, single submitter. Criteria: ICSL Variant Classification Criteria 13 December 2019. Collection method: clinical testing. Allele origin: germline.
Comment: This variant was observed in the ICSL laboratory as part of a predisposition screen in an ostensibly healthy population. It had not been previously curated by ICSL or reported in the Human Gene Mutation Database (HGMD: prior to June 1st, 2018), and was therefore a candidate for classification through an automated scoring system. Utilizing variant allele frequency, disease prevalence and penetrance estimates, and inheritance mode, an automated score was calculated to assess if this variant is too frequent to cause the disease. Based on the score and internal cut-off values, a variant classified as benign is not then subjected to further curation. The score for this variant resulted in a classification of benign for this disease.

Illumina Laboratory Services, Illumina
Classification: Benign for Brain small vessel disease 1 with or without ocular anomalies. Last evaluated: 2018-01-13. Review status: criteria provided, single submitter. Criteria: ICSL Variant Classification Criteria 13 December 2019. Collection method: clinical testing. Allele origin: germline.
Comment: the same text as in the submission from Illumina Laboratory Services, Illumina above.

Breakthrough Genomics
Classification: Benign. Review status: criteria provided, single submitter. Criteria: ACMG Guidelines, 2015. Collection method: not provided. Allele origin: germline. Inheritance: Autosomal dominant inheritance. Affected: yes.

NM_001845.6(COL4A1):c.*587C>A

Gene: COL4A1 (collagen type IV alpha 1 chain; minus strand). Cytogenetic location: 13q34.
Variant type: single nucleotide variant.
Coding change: c.*587C>A on transcript NM_001845.6 (MANE Select); 587 bases downstream of the stop codon, C replaced by A.
Molecular consequence: 3 prime UTR variant.
Genome position (GRCh38, 1-based): chr13:110,149,776, G>T on the plus strand (C>A on the coding strand, the complement: COL4A1 is on the minus strand). VCF-style: chr13-110149776-G-T. GRCh37 (hg19) VCF-style: chr13-110802123-G-T.
Identifiers: ClinVar variation 311011 (VCV000311011.9), dbSNP rs13260, ClinGen allele CA10643712.